The following is an entry in ClinVar:

NM_000059.4(BRCA2):c.7680T>G (p.Phe2560Leu)

Gene: BRCA2 (BRCA2 DNA repair associated; plus strand). Cytogenetic location: 13q13.1.
Variant type: single nucleotide variant.
Coding change: c.7680T>G on transcript NM_000059.4 (MANE Select); coding-DNA position 7680, T replaced by G.
Protein change: p.Phe2560Leu; replaces phenylalanine 2560 with leucine.
Molecular consequence: missense variant.
Genome position (GRCh38, 1-based): chr13:32,357,804, T>G. VCF-style: chr13-32357804-T-G. GRCh37 (hg19) VCF-style: chr13-32931941-T-G.
Other names: short protein forms F2560L.
Identifiers: ClinVar variation 630959 (VCV000630959.13), dbSNP rs1566242753, ClinGen allele CA387745120.
Genomic context (GRCh38, chr13:32,357,804, plus strand): 5'-GTATACGTATGGCGTTTCTAAACATTGCATAAAAATTAACAGCAAAAATGCAGAGTCTTT[T>G]CAGTTTCACACTGAAGATTATTTTGGTAAGGAAAGTTTATGGACTGGAAAAGGAATACAG-3'
Protein context (NP_000050.3, residues 2550-2570): IKINSKNAES[Phe2560Leu]QFHTEDYFGK

ClinVar aggregate classification (germline): Uncertain significance. Review status: criteria provided, multiple submitters, no conflicts (2 of 4 stars). 3 submissions from 3 submitters: Uncertain significance (3). Last evaluated 2024-08-19.

Conditions:
Hereditary cancer-predisposing syndrome. Also called: Tumor predisposition; Neoplastic Syndromes, Hereditary; Hereditary neoplastic syndrome; Hereditary Cancer Syndrome. Identifiers: Orphanet 140162, MedGen C0027672, MeSH D009386, MONDO:0015356.
Hereditary breast ovarian cancer syndrome. Also called: Hereditary breast and ovarian cancer; Hereditary breast and ovarian cancer syndrome (HBOC); Breast and ovarian cancer; Hereditary breast and ovarian cancer syndrome; BRCA1- and BRCA2-Associated Hereditary Breast and Ovarian Cancer; Hereditary breast and/or ovarian cancer syndrome. Identifiers: Orphanet 145, MedGen C0677776, MeSH D061325, MONDO:0003582. Disease mechanism: loss of function.

Allele frequency attached by ClinVar (database versions not stated): gnomAD 0.00001.
gnomAD v4.1: 2 of 1,613,848 alleles (0.00012%); no homozygotes.

Submissions (3):

Ambry Genetics
Classification: Uncertain significance for Hereditary cancer-predisposing syndrome. Last evaluated: 2024-08-19. Review status: criteria provided, single submitter. Criteria: Ambry Variant Classification Scheme 2023. Collection method: clinical testing. Allele origin: germline.
Comment: The p.F2560L variant (also known as c.7680T>G), located in coding exon 15 of the BRCA2 gene, results from a T to G substitution at nucleotide position 7680. The phenylalanine at codon 2560 is replaced by leucine, an amino acid with highly similar properties. This amino acid position is highly conserved in available vertebrate species. In addition, this alteration is predicted to be deleterious by in silico analysis. Based on the available evidence, the clinical significance of this variant remains unclear.

Color Diagnostics, LLC DBA Color Health
Classification: Uncertain significance for Hereditary cancer-predisposing syndrome. Last evaluated: 2023-12-05. Review status: criteria provided, single submitter. Criteria: ACMG Guidelines, 2015. Collection method: clinical testing. Allele origin: germline.
Comment: This missense variant replaces phenylalanine with leucine at codon 2560 of the BRCA2 protein. Computational prediction suggests that this variant may have deleterious impact on protein structure and function (internally defined REVEL score threshold >= 0.7, PMID: 27666373). To our knowledge, functional studies have not been reported for this variant. This variant has not been reported in individuals affected with BRCA2-related disorders in the literature. This variant has not been identified in the general population by the Genome Aggregation Database (gnomAD). The available evidence is insufficient to determine the role of this variant in disease conclusively. Therefore, this variant is classified as a Variant of Uncertain Significance.

Labcorp Genetics (formerly Invitae), Labcorp
Classification: Uncertain significance for Hereditary breast ovarian cancer syndrome. Last evaluated: 2023-08-07. Review status: criteria provided, single submitter. Criteria: Invitae Variant Classification Sherloc (09022015). Collection method: clinical testing. Allele origin: germline.
Comment: ClinVar contains an entry for this variant (Variation ID: 630959). This variant has not been reported in the literature in individuals affected with BRCA2-related conditions. This variant is not present in population databases (gnomAD no frequency). This sequence change replaces phenylalanine, which is neutral and non-polar, with leucine, which is neutral and non-polar, at codon 2560 of the BRCA2 protein (p.Phe2560Leu). In summary, the available evidence is currently insufficient to determine the role of this variant in disease. Therefore, it has been classified as a Variant of Uncertain Significance. Advanced modeling of protein sequence and biophysical properties (such as structural, functional, and spatial information, amino acid conservation, physicochemical variation, residue mobility, and thermodynamic stability) performed at Invitae indicates that this missense variant is not expected to disrupt BRCA2 protein function.